The following is an entry in ClinVar:

ClinVar aggregate classification (germline): Uncertain significance (1 of 4 stars; one submission).

Allele frequency attached by ClinVar (database versions not stated): gnomAD exomes below 0.00001; TOPMed below 0.00001; ExAC 0.00001; gnomAD 0.00001.
gnomAD v4.1: 2 of 1,608,428 alleles (0.00012%); highest among the groups gnomAD compares: African/African-American, 0.0013%; no homozygotes.

Submission:

Labcorp Genetics (formerly Invitae), Labcorp
Classification: Uncertain significance. Last evaluated: 2022-02-08. Review status: criteria provided, single submitter. Criteria: Invitae Variant Classification Sherloc (09022015). Collection method: clinical testing. Allele origin: germline.
Comment: In summary, the available evidence is currently insufficient to determine the role of this variant in disease. Therefore, it has been classified as a Variant of Uncertain Significance. Algorithms developed to predict the effect of missense changes on protein structure and function are either unavailable or do not agree on the potential impact of this missense change (SIFT: "Not Available"; PolyPhen-2: "Possibly Damaging"; Align-GVGD: "Not Available"). This variant has not been reported in the literature in individuals affected with PIKFYVE-related conditions. This variant is present in population databases (rs776438467, gnomAD 0.0009%). This sequence change replaces leucine, which is neutral and non-polar, with arginine, which is basic and polar, at codon 1387 of the PIKFYVE protein (p.Leu1387Arg).

NM_015040.4(PIKFYVE):c.4160T>G (p.Leu1387Arg)

Gene: PIKFYVE (phosphoinositide kinase, FYVE-type zinc finger containing; plus strand). Cytogenetic location: 2q34.
Variant type: single nucleotide variant.
Coding change: c.4160T>G on transcript NM_015040.4 (MANE Select); coding-DNA position 4160, T replaced by G.
Protein change: p.Leu1387Arg; replaces leucine 1387 with arginine.
Molecular consequence: missense variant.
Genome position (GRCh38, 1-based): chr2:208,335,323, T>G. VCF-style: chr2-208335323-T-G. GRCh37 (hg19) VCF-style: chr2-209200047-T-G.
Other names: short protein forms L1387R.
Identifiers: ClinVar variation 1909112 (VCV001909112.5), dbSNP rs776438467, ClinGen allele CA2080243.